The following is an entry in ClinVar:

ClinVar aggregate classification (germline): Uncertain significance (1 of 4 stars; one submission).

Submission:

Ambry Genetics
Classification: Uncertain significance. Last evaluated: 2026-08-20. Review status: criteria provided, single submitter. Criteria: Ambry Variant Classification Scheme 2023. Collection method: clinical testing. Allele origin: germline.
Comment: The p.P1478H variant (also known as c.4433C>A), located in coding exon 19 of the WNK2 gene, results from a C to A substitution at nucleotide position 4433. The proline at codon 1478 is replaced by histidine, an amino acid with similar properties. This amino acid position is conserved. In addition, this alteration is predicted to be tolerated by in silico analysis. Based on the available evidence, the clinical significance of this variant remains unclear.

NM_006648.4(WNK2):c.4433C>A (p.Pro1478His)

Gene: WNK2 (WNK lysine deficient protein kinase 2; plus strand). Cytogenetic location: 9q22.31.
Variant type: single nucleotide variant.
Coding change: c.4433C>A on transcript NM_006648.4 (MANE Select); coding-DNA position 4433, C replaced by A.
Protein change: p.Pro1478His; replaces proline 1478 with histidine.
Molecular consequence: missense variant.
Genome position (GRCh38, 1-based): chr9:93,289,187, C>A. VCF-style: chr9-93289187-C-A. GRCh37 (hg19) VCF-style: chr9-96051469-C-A.
Other names: c.4544C>A, p.Pro1515His (NM_001282394.3); short protein forms P1478H, P1515H.
Identifiers: ClinVar variation 5031939 (VCV005031939.1).